The following is an entry in ClinVar:

ClinVar aggregate classification (germline): Uncertain significance (1 of 4 stars; one submission).

Conditions:
Inborn genetic diseases. Identifiers: MedGen C0950123, MeSH D030342.

Submission:

Ambry Genetics
Classification: Uncertain significance for Inborn genetic diseases. Last evaluated: 2024-12-21. Review status: criteria provided, single submitter. Criteria: Ambry Variant Classification Scheme 2023. Collection method: clinical testing. Allele origin: germline.
Comment: The p.T396K variant (also known as c.1187C>A), located in coding exon 5 of the SH2B3 gene, results from a C to A substitution at nucleotide position 1187. The threonine at codon 396 is replaced by lysine, an amino acid with similar properties. This amino acid position is conserved. In addition, this alteration is predicted to be tolerated by in silico analysis. Based on the available evidence, the clinical significance of this variant remains unclear.

NM_005475.3(SH2B3):c.1187C>A (p.Thr396Lys)

Gene: SH2B3 (SH2B adaptor protein 3; plus strand). Cytogenetic location: 12q24.12.
Variant type: single nucleotide variant.
Coding change: c.1187C>A on transcript NM_005475.3 (MANE Select); coding-DNA position 1187, C replaced by A.
Protein change: p.Thr396Lys; replaces threonine 396 with lysine.
Molecular consequence: missense variant.
Genome position (GRCh38, 1-based): chr12:111,447,495, C>A. VCF-style: chr12-111447495-C-A. GRCh37 (hg19) VCF-style: chr12-111885299-C-A.
Other names: c.581C>A, p.Thr194Lys (NM_001291424.1); short protein forms T396K, T194K.
Identifiers: ClinVar variation 3795021 (VCV003795021.1).